The following is an entry in ClinVar:

ClinVar aggregate classification (germline): Uncertain significance. Review status: criteria provided, multiple submitters, no conflicts (2 of 4 stars). 2 submissions from 2 submitters: Uncertain significance (2). Last evaluated 2022-04-24.

Allele frequency attached by ClinVar (database versions not stated): ExAC 0.00001; gnomAD exomes 0.00001.
gnomAD v4.1: 12 of 1,590,654 alleles (0.00075%); highest among the groups gnomAD compares: Non-Finnish European, 0.00094%; no homozygotes.

Submissions (2):

Labcorp Genetics (formerly Invitae), Labcorp
Classification: Uncertain significance. Last evaluated: 2022-04-24. Review status: criteria provided, single submitter. Criteria: Invitae Variant Classification Sherloc (09022015). Collection method: clinical testing. Allele origin: germline.
Comment: Experimental studies and prediction algorithms are not available or were not evaluated, and the functional significance of this variant is currently unknown. This sequence change disrupts the translational stop signal of the POGLUT1 mRNA. It is expected to extend the length of the POGLUT1 protein by 1 additional amino acid residues. This variant is present in population databases (rs775293342, gnomAD 0.0009%). This variant has not been reported in the literature in individuals affected with POGLUT1-related conditions. In summary, the available evidence is currently insufficient to determine the role of this variant in disease. Therefore, it has been classified as a Variant of Uncertain Significance.

Revvity Omics, Revvity
Classification: Uncertain significance. Last evaluated: 2019-05-02. Review status: criteria provided, single submitter. Criteria: ACMG Guidelines, 2015. Collection method: clinical testing. Allele origin: germline.

NM_152305.3(POGLUT1):c.1177T>C (p.Ter393Gln)

Gene: POGLUT1 (protein O-glucosyltransferase 1; plus strand). Cytogenetic location: 3q13.33.
Variant type: single nucleotide variant.
Coding change: c.1177T>C on transcript NM_152305.3 (MANE Select); coding-DNA position 1177, T replaced by C.
Protein change: p.Ter393Gln.
Molecular consequence: stop lost. On other transcripts: non-coding transcript variant (1).
Genome position (GRCh38, 1-based): chr3:119,492,436, T>C. VCF-style: chr3-119492436-T-C. GRCh37 (hg19) VCF-style: chr3-119211283-T-C.
Other names: c.1177T>C (NM_152305.2); c.1177T>C, p.Ter393Gln (NM_020231.3).
Identifiers: ClinVar variation 2172249 (VCV002172249.7), dbSNP rs775293342, ClinGen allele CA2555064.